The following is an entry in ClinVar:

ClinVar aggregate classification (germline): Likely pathogenic (1 of 4 stars; one submission).

Conditions:
Bardet-Biedl syndrome (BBS). Identifiers: Orphanet 110, MedGen C0752166, MONDO:0015229.

Allele frequency attached by ClinVar (database versions not stated): gnomAD exomes below 0.00001.
gnomAD v4.1: 3 of 1,614,224 alleles (0.00019%); highest among the groups gnomAD compares: Non-Finnish European, 0.00025%; no homozygotes.

Submission:

Labcorp Genetics (formerly Invitae), Labcorp
Classification: Likely pathogenic for Bardet-Biedl syndrome. Last evaluated: 2025-01-07. Review status: criteria provided, single submitter. Criteria: Invitae Variant Classification Sherloc (09022015). Collection method: clinical testing. Allele origin: germline.
Comment: This sequence change replaces valine, which is neutral and non-polar, with methionine, which is neutral and non-polar, at codon 409 of the BBS12 protein (p.Val409Met). This variant is not present in population databases (gnomAD no frequency). This missense change has been observed in individual(s) with BBS12-related conditions (internal data). ClinVar contains an entry for this variant (Variation ID: 659369). Invitae Evidence Modeling of protein sequence and biophysical properties (such as structural, functional, and spatial information, amino acid conservation, physicochemical variation, residue mobility, and thermodynamic stability) indicates that this missense variant is expected to disrupt BBS12 protein function with a positive predictive value of 80%. In summary, the currently available evidence indicates that the variant is pathogenic, but additional data are needed to prove that conclusively. Therefore, this variant has been classified as Likely Pathogenic.

NM_152618.3(BBS12):c.1225G>A (p.Val409Met)

Gene: BBS12 (Bardet-Biedl syndrome 12; plus strand). Cytogenetic location: 4q27.
Variant type: single nucleotide variant.
Coding change: c.1225G>A on transcript NM_152618.3 (MANE Select); coding-DNA position 1225, G replaced by A.
Protein change: p.Val409Met; replaces valine 409 with methionine.
Molecular consequence: missense variant.
Genome position (GRCh38, 1-based): chr4:122,743,117, G>A. VCF-style: chr4-122743117-G-A. GRCh37 (hg19) VCF-style: chr4-123664272-G-A.
Other names: c.1225G>A, p.Val409Met (NM_001178007.2); short protein forms V409M.
Identifiers: ClinVar variation 659369 (VCV000659369.4), dbSNP rs1578491070, ClinGen allele CA358224669.
Genomic context (GRCh38, chr4:122,743,117, plus strand): 5'-GAAGACAGCTCAGAAGAACTGTGGGCAAATCACGTGTTACAGGTGTTAATCCAGTTCAAG[G>A]TGAACCTTGTCCTGGTACAAGGAAATGTGTCCGAACGCTTAATTGAAAAATGTATAAACA-3'
Protein context (NP_689831.2, residues 399-419): HVLQVLIQFK[Val409Met]NLVLVQGNVS